The following is an entry in ClinVar:

NM_001130987.2(DYSF):c.947del (p.Ile316fs)

Gene: DYSF (dysferlin; plus strand). Cytogenetic location: 2p13.2.
Variant type: Deletion.
Coding change: c.947del on transcript NM_001130987.2 (MANE Select); coding-DNA position 947, one base deleted (T; older notation c.947delT).
Protein change: p.Ile316fs; shifts the reading frame from isoleucine 316.
Molecular consequence: frameshift variant.
Genome position (GRCh38, 1-based): chr2:71,516,238, T deleted. VCF-style (leftmost placement, unchanged base first): chr2-71516237-AT-A. GRCh37 (hg19) VCF-style: chr2-71743367-AT-A.
Other names: c.854del, p.Ile285fs (NM_001130455.2, NM_001130983.2, NM_001130984.2 and 1 more transcripts); c.851del, p.Ile284fs (NM_001130976.2, NM_001130977.2, NM_001130978.2 and 1 more transcripts); c.944del, p.Ile315fs (NM_001130979.2, NM_001130980.2, NM_001130981.2); c.947del, p.Ile316fs (NM_001130982.2, NM_001130985.2); short protein forms I284fs, I285fs, I315fs, I316fs.
Identifiers: ClinVar variation 3241385 (VCV003241385.2), dbSNP rs2545420079.
Genomic context (GRCh38, chr2:71,516,237, plus strand): 5'-CAGACTCTTTTCTTCAACTTGTTTGACTCTCCTGGGGAGCTGTTTGATGAGCCCATCTTT[AT>A]CACGGTATGTCTCAGCAGTCAAAGTGTTCTCCGTGGGCTGTATGTATGCACATAGGTGTC-3'

ClinVar aggregate classification (germline): Pathogenic/Likely pathogenic. Review status: criteria provided, multiple submitters, no conflicts (2 of 4 stars). 2 submissions from 2 submitters: Pathogenic (1); Likely pathogenic (1). Last evaluated 2025-08-30.

Conditions:
Autosomal recessive limb-girdle muscular dystrophy. Identifiers: Orphanet 102015, MedGen C2931907, MONDO:0015152.
Miyoshi muscular dystrophy 1 (MMD1). Identifiers: Orphanet 45448, MedGen C4551973, MONDO:0024545, OMIM 254130.

Submissions (2):

Myriad Genetics, Inc.
Classification: Pathogenic for Autosomal recessive limb-girdle muscular dystrophy. Last evaluated: 2025-08-30. Review status: criteria provided, single submitter. Criteria: Myriad Autosomal Dominant, Autosomal Recessive and X-Linked Classification Criteria (2023). Collection method: clinical testing. Allele origin: unknown.
Comment: NM_003494.3(DYSF):c.851delT(I284Tfs*4) is expected to be pathogenic in the context of dysferlinopathy. This variant is predicted to lead to an abnormal or absent protein product due to the creation of a premature termination codon in DYSF, a gene where loss-of-function variants are known to be pathogenic. Please note: this variant was assessed in the context of healthy population screening.

Baylor Genetics
Classification: Likely pathogenic for Miyoshi muscular dystrophy 1. Last evaluated: 2023-11-05. Review status: criteria provided, single submitter. Criteria: ACMG Guidelines, 2015. Collection method: clinical testing. Allele origin: unknown.